The following is an entry in ClinVar:

NM_000391.4(TPP1):c.1690T>C (p.Ter564Arg)

Gene: TPP1 (tripeptidyl peptidase 1; minus strand). Cytogenetic location: 11p15.4.
Variant type: single nucleotide variant.
Coding change: c.1690T>C on transcript NM_000391.4 (MANE Select); coding-DNA position 1690, T replaced by C.
Protein change: p.Ter564Arg.
Molecular consequence: stop lost.
Genome position (GRCh38, 1-based): chr11:6,614,548, A>G on the plus strand (T>C on the coding strand, the complement: TPP1 is on the minus strand). VCF-style: chr11-6614548-A-G. GRCh37 (hg19) VCF-style: chr11-6635779-A-G.
Identifiers: ClinVar variation 1418328 (VCV001418328.3), dbSNP rs2134590234, ClinGen allele CA379471920.

ClinVar aggregate classification (germline): Uncertain significance (1 of 4 stars; one submission).

Allele frequency attached by ClinVar (database versions not stated): gnomAD exomes below 0.00001.
gnomAD v4.1: 1 of 1,614,186 alleles (0.000062%); highest among the groups gnomAD compares: Non-Finnish European, 0.000085%; no homozygotes.

Submission:

Labcorp Genetics (formerly Invitae), Labcorp
Classification: Uncertain significance. Last evaluated: 2022-04-06. Review status: criteria provided, single submitter. Criteria: Invitae Variant Classification Sherloc (09022015). Collection method: clinical testing. Allele origin: germline.
Comment: This sequence change disrupts the translational stop signal of the TPP1 mRNA. It is expected to extend the length of the TPP1 protein by 29 additional amino acid residues. This variant is not present in population databases (gnomAD no frequency). This variant has not been reported in the literature in individuals affected with TPP1-related conditions. Experimental studies and prediction algorithms are not available or were not evaluated, and the functional significance of this variant is currently unknown. In summary, the available evidence is currently insufficient to determine the role of this variant in disease. Therefore, it has been classified as a Variant of Uncertain Significance.